The following is an entry in ClinVar:

ClinVar aggregate classification (germline): Uncertain significance. Review status: criteria provided, multiple submitters, no conflicts (2 of 4 stars). 2 submissions from 2 submitters: Uncertain significance (2). Last evaluated 2025-08-06.

Conditions:
Arrhythmogenic right ventricular dysplasia 13. Also called: Arrhythmogenic right ventricular dysplasia, familial, 13; ARRHYTHMOGENIC RIGHT VENTRICULAR CARDIOMYOPATHY 13. Identifiers: MedGen C3810138, MONDO:0000908, OMIM 615616.

Allele frequency attached by ClinVar (database versions not stated): gnomAD 0.00002 and 0.00003; TOPMed 0.00002; gnomAD exomes 0.00003 and 0.00007; ExAC 0.00012.
gnomAD v4.1: 50 of 1,613,950 alleles (0.0031%); highest among the groups gnomAD compares: East Asian, 0.0045%; no homozygotes.

Submissions (2):

Labcorp Genetics (formerly Invitae), Labcorp
Classification: Uncertain significance for Arrhythmogenic right ventricular dysplasia 13. Last evaluated: 2025-08-06. Review status: criteria provided, single submitter. Criteria: Invitae Variant Classification Sherloc (09022015). Collection method: clinical testing. Allele origin: germline.
Comment: This sequence change replaces alanine, which is neutral and non-polar, with valine, which is neutral and non-polar, at codon 537 of the CTNNA3 protein (p.Ala537Val). This variant is present in population databases (rs769674937, gnomAD 0.01%). This variant has not been reported in the literature in individuals affected with CTNNA3-related conditions. ClinVar contains an entry for this variant (Variation ID: 639930). Invitae Evidence Modeling of protein sequence and biophysical properties (such as structural, functional, and spatial information, amino acid conservation, physicochemical variation, residue mobility, and thermodynamic stability) indicates that this missense variant is not expected to disrupt CTNNA3 protein function with a negative predictive value of 80%. In summary, the available evidence is currently insufficient to determine the role of this variant in disease. Therefore, it has been classified as a Variant of Uncertain Significance.

Blueprint Genetics
Classification: Uncertain significance. Last evaluated: 2024-11-08. Review status: criteria provided, single submitter. Criteria: ACMG Guidelines, 2015. Collection method: clinical testing. Allele origin: germline.

NM_013266.4(CTNNA3):c.1610C>T (p.Ala537Val)

Gene: CTNNA3 (catenin alpha 3; minus strand). Cytogenetic location: 10q21.3.
Variant type: single nucleotide variant.
Coding change: c.1610C>T on transcript NM_013266.4 (MANE Select); coding-DNA position 1610, C replaced by T.
Protein change: p.Ala537Val; replaces alanine 537 with valine.
Molecular consequence: missense variant.
Genome position (GRCh38, 1-based): chr10:66,379,274, G>A on the plus strand (C>T on the coding strand, the complement: CTNNA3 is on the minus strand). VCF-style: chr10-66379274-G-A. GRCh37 (hg19) VCF-style: chr10-68139032-G-A.
Other names: c.1610C>T, p.Ala537Val (NM_001127384.3); short protein forms A537V.
Identifiers: ClinVar variation 639930 (VCV000639930.11), dbSNP rs769674937, ClinGen allele CA5519883.